The following is an entry in ClinVar:

NM_000081.4(LYST):c.1970A>G (p.Asn657Ser)

Gene: LYST (lysosomal trafficking regulator; minus strand). Cytogenetic location: 1q42.3.
Variant type: single nucleotide variant.
Coding change: c.1970A>G on transcript NM_000081.4 (MANE Select); coding-DNA position 1970, A replaced by G.
Protein change: p.Asn657Ser; replaces asparagine 657 with serine.
Molecular consequence: missense variant.
Genome position (GRCh38, 1-based): chr1:235,808,848, T>C on the plus strand (A>G on the coding strand, the complement: LYST is on the minus strand). VCF-style: chr1-235808848-T-C. GRCh37 (hg19) VCF-style: chr1-235972148-T-C.
Other names: c.1970A>G, p.Asn657Ser (NM_001301365.1); short protein forms N657S.
Identifiers: ClinVar variation 1980130 (VCV001980130.4), dbSNP rs1041885870, ClinGen allele CA39617830.

ClinVar aggregate classification (germline): Uncertain significance (1 of 4 stars; one submission).

Conditions:
Chédiak-Higashi syndrome (CHS). Also called: Chediak-Higashi Syndrome. Identifiers: Orphanet 167, MedGen C0007965, MONDO:0008963, OMIM 214500.

Allele frequency attached by ClinVar (database versions not stated): gnomAD exomes below 0.00001; TOPMed 0.00001.
gnomAD v4.1: 2 of 1,614,016 alleles (0.00012%); highest among the groups gnomAD compares: Non-Finnish European, 0.00017%; no homozygotes.

Submission:

Labcorp Genetics (formerly Invitae), Labcorp
Classification: Uncertain significance for Chédiak-Higashi syndrome. Last evaluated: 2024-10-29. Review status: criteria provided, single submitter. Criteria: Invitae Variant Classification Sherloc (09022015). Collection method: clinical testing. Allele origin: germline.
Comment: This sequence change replaces asparagine, which is neutral and polar, with serine, which is neutral and polar, at codon 657 of the LYST protein (p.Asn657Ser). This variant is not present in population databases (gnomAD no frequency). This variant has not been reported in the literature in individuals affected with LYST-related conditions. ClinVar contains an entry for this variant (Variation ID: 1980130). Invitae Evidence Modeling of protein sequence and biophysical properties (such as structural, functional, and spatial information, amino acid conservation, physicochemical variation, residue mobility, and thermodynamic stability) indicates that this missense variant is not expected to disrupt LYST protein function with a negative predictive value of 80%. In summary, the available evidence is currently insufficient to determine the role of this variant in disease. Therefore, it has been classified as a Variant of Uncertain Significance.